The following is an entry in ClinVar:

NM_000352.6(ABCC8):c.4C>T (p.Pro2Ser)

Gene: ABCC8 (ATP binding cassette subfamily C member 8; minus strand). Cytogenetic location: 11p15.1.
Variant type: single nucleotide variant.
Coding change: c.4C>T on transcript NM_000352.6 (MANE Select); coding-DNA position 4, C replaced by T.
Protein change: p.Pro2Ser; replaces proline 2 with serine.
Molecular consequence: missense variant. On other transcripts: non-coding transcript variant (1).
Genome position (GRCh38, 1-based): chr11:17,476,773, G>A on the plus strand (C>T on the coding strand, the complement: ABCC8 is on the minus strand). VCF-style: chr11-17476773-G-A. GRCh37 (hg19) VCF-style: chr11-17498320-G-A.
Other names: c.4C>T, p.Pro2Ser (NM_001287174.3, NM_001351295.2, NM_001351296.2 and 1 more transcripts); c.4C>T (NM_000352.3); short protein forms P2S.
Identifiers: ClinVar variation 1691266 (VCV001691266.5), dbSNP rs756552692, ClinGen allele CA5904003.
Genomic context (GRCh38, chr11:17,476,773, plus strand): 5'-GGACCCCCTGGTCCACCCGGTAGGCGGCCGAGTGGTTCTCGCTGCCGCAGAAGGCCAGGG[G>A]CATGGCGGCGCGGGCGCGGGCTGGGCTCGGGCTCAGCTGGCTCCGCTGGCTCCGCGCGCC-3'
Protein context (NP_000343.2, residues 1-12): M[Pro2Ser]LAFCGSENHS

ClinVar aggregate classification (germline): Uncertain significance. Review status: criteria provided, multiple submitters, no conflicts (2 of 4 stars). 3 submissions from 2 submitters: Uncertain significance (3). Last evaluated 2022-02-11.

Conditions:
Inborn genetic diseases. Identifiers: MedGen C0950123, MeSH D030342.
Maturity-onset diabetes of the young (MODY). Also called: Maturity onset diabetes mellitus in young. Identifiers: Orphanet 552, MedGen C0342276, MONDO:0018911, HP:0004904.
Transitory neonatal diabetes mellitus. Also called: Transient neonatal diabetes mellitus. Identifiers: MedGen C0342273, MONDO:0020525, HP:0008255.

Allele frequency attached by ClinVar (database versions not stated): ExAC 0.00003.
gnomAD v4.1: 4 of 1,562,802 alleles (0.00026%); highest among the groups gnomAD compares: South Asian, 0.0035%; no homozygotes.

Submissions (3):

Ambry Genetics
Classification: Uncertain significance for Inborn genetic diseases. Last evaluated: 2022-02-11. Review status: criteria provided, single submitter. Criteria: Ambry Variant Classification Scheme 2023. Collection method: clinical testing. Allele origin: germline.

Clinical Genomics, Uppaluri K&H Personalized Medicine Clinic
Classification: Uncertain significance for Maturity-onset diabetes of the young. Review status: criteria provided, single submitter. Criteria: K & H Uppaluri Personalized Medicine Clinic Variant Classification & Assertion Criteria_Updated V.1. Collection method: research. Allele origin: unknown. Inheritance: Somatic mutation.
Comment: Mutations in ABCC8 gene are associated with both neonatal diabetes mellitus as well as MODY. Patients with this mutation may have a better response to sulfonylureas. However, no sufficient evidence is found to ascertain the role of this particular variant ( rs756552692) in MODY yet.

Clinical Genomics, Uppaluri K&H Personalized Medicine Clinic
Classification: Uncertain significance for Transitory neonatal diabetes mellitus. Review status: criteria provided, single submitter. Criteria: K & H Uppaluri Personalized Medicine Clinic Variant Classification & Assertion Criteria_Updated V.1. Collection method: research. Allele origin: unknown. Inheritance: Somatic mutation.
Comment: Mutations in ABCC8 gene are associated with both neonatal diabetes mellitus as well as MODY. Patients with this mutation may have a better response to sulfonylureas. However, no sufficient evidence is found to ascertain the role of this particular variant ( rs756552692) in neonatal diabetes yet.

Literature cited by the submitters: PubMed 16885549 (cited by Clinical Genomics, Uppaluri K&H Personalized Medicine Clinic); PubMed 21989597 (cited by Clinical Genomics, Uppaluri K&H Personalized Medicine Clinic); PubMed 27538677 (cited by Clinical Genomics, Uppaluri K&H Personalized Medicine Clinic); PubMed 18981553 (cited by Clinical Genomics, Uppaluri K&H Personalized Medicine Clinic); PubMed 32027066 (cited by Clinical Genomics, Uppaluri K&H Personalized Medicine Clinic); PubMed 16613899 (cited by Clinical Genomics, Uppaluri K&H Personalized Medicine Clinic); PubMed 18025408 (cited by Clinical Genomics, Uppaluri K&H Personalized Medicine Clinic); PubMed 32792356 (cited by Clinical Genomics, Uppaluri K&H Personalized Medicine Clinic).